The following is an entry in ClinVar:

NM_201253.3(CRB1):c.1844G>T (p.Gly615Val)

Gene: CRB1 (crumbs cell polarity complex component 1; plus strand). Cytogenetic location: 1q31.3.
Variant type: single nucleotide variant.
Coding change: c.1844G>T on transcript NM_201253.3 (MANE Select); coding-DNA position 1844, G replaced by T.
Protein change: p.Gly615Val; replaces glycine 615 with valine.
Molecular consequence: missense variant. On other transcripts: non-coding transcript variant (1).
Genome position (GRCh38, 1-based): chr1:197,421,672, G>T. VCF-style: chr1-197421672-G-T. GRCh37 (hg19) VCF-style: chr1-197390802-G-T.
Other names: c.1508G>T, p.Gly503Val (NM_001193640.2); c.1637G>T, p.Gly546Val (NM_001257965.2); c.1844G>T, p.Gly615Val (NM_001257966.2); short protein forms G615V, G503V, G546V.
Identifiers: ClinVar variation 812299 (VCV000812299.12), dbSNP rs768905244, ClinGen allele CA344032742.

ClinVar aggregate classification (germline): Pathogenic/Likely pathogenic. Review status: criteria provided, multiple submitters, no conflicts (2 of 4 stars). 7 submissions from 6 submitters: Pathogenic (1); Likely pathogenic (5). 1 of the submissions does not count toward it. Last evaluated 2025-11-12.

Conditions:
Leber congenital amaurosis 8 (LCA8). Identifiers: Orphanet 65, MedGen C3151202, MONDO:0013453, OMIM 613835.
Retinitis pigmentosa 12 (RP12). Also called: RP WITH OR WITHOUT PRESERVED PARAARTERIOLE RETINAL PIGMENT EPITHELIUM; RETINITIS PIGMENTOSA WITH OR WITHOUT PARAARTERIOLAR PRESERVATION OF RETINAL PIGMENT EPITHELIUM; RP WITH OR WITHOUT PPRPE. Identifiers: Orphanet 791, MedGen C1838647, MONDO:0010818, OMIM 600105.
Leber congenital amaurosis (LCA). Also called: Leber's amaurosis. Identifiers: Orphanet 65, MedGen C0339527, MeSH D057130, MONDO:0018998.
Retinitis pigmentosa (RP). Identifiers: Orphanet 791, MedGen C0035334, MeSH D012174, MONDO:0019200, OMIM 268000. Inheritance: Autosomal dominant, autosomal recessive and X linked inheritance.

Submissions (7):

Labcorp Genetics (formerly Invitae), Labcorp
Classification: Pathogenic for Leber congenital amaurosis 8; Retinitis pigmentosa 12. Last evaluated: 2025-11-12. Review status: criteria provided, single submitter. Criteria: Invitae Variant Classification Sherloc (09022015). Collection method: clinical testing. Allele origin: germline.
Comment: This sequence change replaces glycine, which is neutral and non-polar, with valine, which is neutral and non-polar, at codon 615 of the CRB1 protein (p.Gly615Val). This variant is not present in population databases (gnomAD no frequency). This missense change has been observed in individuals with CRB1-related conditions (PMID: 23449718, 31456290, 33921607). This variant is also known as c.1846G>T. ClinVar contains an entry for this variant (Variation ID: 812299). Invitae Evidence Modeling of protein sequence and biophysical properties (such as structural, functional, and spatial information, amino acid conservation, physicochemical variation, residue mobility, and thermodynamic stability) indicates that this missense variant is expected to disrupt CRB1 protein function with a positive predictive value of 95%. For these reasons, this variant has been classified as Pathogenic.

Natera, Inc.
Classification: Likely pathogenic for Leber congenital amaurosis. Last evaluated: 2025-01-07. Review status: criteria provided, single submitter. Criteria: Natera Variant Classification Schema (03/2026). Collection method: clinical testing. Allele origin: germline.
Comment: The c.1844G>T variant in CRB1 is a missense variant predicted to cause substitution of glycine to valine at amino acid 615. This variant is rare in the general population with a frequency below the threshold expected for the associated phenotype(s). This variant has been observed in one or more individuals affected with the associated recessive disease, as either homozygous or compound heterozygous with a second variant (PMID: 33921607, 23449718). Additionally, this variant has been observed to segregate in affected family members (PMID: 23449718). Computational prediction algorithms indicate this variant is likely to affect gene or protein function. Given the available evidence, this variant is classified as Likely Pathogenic.

Baylor Genetics
Classification: Likely pathogenic for Leber congenital amaurosis 8. Last evaluated: 2023-10-05. Review status: criteria provided, single submitter. Criteria: ACMG Guidelines, 2015. Collection method: clinical testing. Allele origin: unknown.

Genome-Nilou Lab
Classification: Likely pathogenic for Leber congenital amaurosis 8. Last evaluated: 2023-04-11. Review status: criteria provided, single submitter. Criteria: ACMG Guidelines, 2015. Collection method: clinical testing. Allele origin: germline. Affected: no.

Genome-Nilou Lab
Classification: Likely pathogenic for Retinitis pigmentosa 12. Last evaluated: 2023-04-11. Review status: criteria provided, single submitter. Criteria: ACMG Guidelines, 2015. Collection method: clinical testing. Allele origin: germline. Affected: no.

GeneDx
Classification: Likely pathogenic. Last evaluated: 2020-12-30. Review status: criteria provided, single submitter. Criteria: GeneDx Variant Classification Process June 2021. Collection method: clinical testing. Allele origin: germline. Affected: yes.
Comment: Not observed in large population cohorts (Lek et al., 2016); In silico analysis supports that this missense variant has a deleterious effect on protein structure/function; This variant is associated with the following publications: (PMID: 31456290, 23449718)

Sharon lab, Hadassah-Hebrew University Medical Center
Classification: Likely pathogenic for Retinitis pigmentosa. Last evaluated: 2019-06-23. Review status: no assertion criteria provided. Collection method: research. Allele origin: inherited. Affected: yes. Not counted in ClinVar's aggregate classification.

Literature cited by the submitters: PubMed 23449718 (cited by Labcorp Genetics (formerly Invitae), Labcorp and Natera, Inc.); PubMed 31456290 (cited by Labcorp Genetics (formerly Invitae), Labcorp); PubMed 33921607 (cited by Labcorp Genetics (formerly Invitae), Labcorp and Natera, Inc.).